The following is an entry in ClinVar:

ClinVar aggregate classification (germline): Uncertain significance (1 of 4 stars; one submission).

Allele frequency attached by ClinVar (database versions not stated): gnomAD 0.00001; ExAC 0.00002; TOPMed 0.00002; ESP Exome Variant Server 0.00008.
gnomAD v4.1: 28 of 1,614,008 alleles (0.0017%); highest among the groups gnomAD compares: Admixed American, 0.0067%; no homozygotes.

Submission:

Labcorp Genetics (formerly Invitae), Labcorp
Classification: Uncertain significance. Last evaluated: 2024-03-04. Review status: criteria provided, single submitter. Criteria: Invitae Variant Classification Sherloc (09022015). Collection method: clinical testing. Allele origin: germline.
Comment: This sequence change replaces arginine, which is basic and polar, with glutamine, which is neutral and polar, at codon 1175 of the LRP6 protein (p.Arg1175Gln). This variant is present in population databases (rs372175738, gnomAD 0.003%). This variant has not been reported in the literature in individuals affected with LRP6-related conditions. Advanced modeling of protein sequence and biophysical properties (such as structural, functional, and spatial information, amino acid conservation, physicochemical variation, residue mobility, and thermodynamic stability) performed at Invitae indicates that this missense variant is not expected to disrupt LRP6 protein function with a negative predictive value of 80%. In summary, the available evidence is currently insufficient to determine the role of this variant in disease. Therefore, it has been classified as a Variant of Uncertain Significance.

NM_002336.3(LRP6):c.3524G>A (p.Arg1175Gln)

Gene: LRP6 (LDL receptor related protein 6; minus strand). Cytogenetic location: 12p13.2.
Variant type: single nucleotide variant.
Coding change: c.3524G>A on transcript NM_002336.3 (MANE Select); coding-DNA position 3524, G replaced by A.
Protein change: p.Arg1175Gln; replaces arginine 1175 with glutamine.
Molecular consequence: missense variant. On other transcripts: non-coding transcript variant (1).
Genome position (GRCh38, 1-based): chr12:12,138,408, C>T on the plus strand (G>A on the coding strand, the complement: LRP6 is on the minus strand). VCF-style: chr12-12138408-C-T. GRCh37 (hg19) VCF-style: chr12-12291342-C-T.
Other names: c.3617G>A, p.Arg1206Gln (NM_001414244.1); c.3524G>A, p.Arg1175Gln (NM_001414245.1, NM_001414246.1, NM_001414248.1 and 3 more transcripts); c.3326G>A, p.Arg1109Gln (NM_001414247.1); c.3071G>A, p.Arg1024Gln (NM_001414252.1, NM_001414253.1, NM_001414254.1); c.3017G>A, p.Arg1006Gln (NM_001414255.1); short protein forms R1006Q, R1175Q, R1206Q, R1109Q, R1024Q.
Identifiers: ClinVar variation 2896931 (VCV002896931.3), dbSNP rs372175738, ClinGen allele CA6455185.